The following is an entry in ClinVar:

NM_016222.4(DDX41):c.924G>T (p.Glu308Asp)

Gene: DDX41 (DEAD-box helicase 41; minus strand). Cytogenetic location: 5q35.3.
Variant type: single nucleotide variant.
Coding change: c.924G>T on transcript NM_016222.4 (MANE Select); coding-DNA position 924, G replaced by T.
Protein change: p.Glu308Asp; replaces glutamic acid 308 with aspartic acid.
Molecular consequence: missense variant.
Genome position (GRCh38, 1-based): chr5:177,514,712, C>A on the plus strand (G>T on the coding strand, the complement: DDX41 is on the minus strand). VCF-style: chr5-177514712-C-A. GRCh37 (hg19) VCF-style: chr5-176941713-C-A.
Other names: c.924G>T (NM_016222.2); c.546G>T, p.Glu182Asp (NM_001321732.2, NM_001321830.2); short protein forms E182D, E308D.
Identifiers: ClinVar variation 3697482 (VCV003697482.3).

ClinVar aggregate classification (germline): Conflicting classifications of pathogenicity. Review status: criteria provided, conflicting classifications (1 of 4 stars). 2 submissions from 2 submitters: Uncertain significance (1); Likely benign (1). Last evaluated 2025-05-28.

Conditions:
Inborn genetic diseases. Identifiers: MedGen C0950123, MeSH D030342.

Submissions (2):

Ambry Genetics
Classification: Likely benign for Inborn genetic diseases. Last evaluated: 2025-05-28. Review status: criteria provided, single submitter. Criteria: Ambry Variant Classification Scheme 2023. Collection method: clinical testing. Allele origin: germline.

Labcorp Genetics (formerly Invitae), Labcorp
Classification: Uncertain significance. Last evaluated: 2024-04-25. Review status: criteria provided, single submitter. Criteria: Invitae Variant Classification Sherloc (09022015). Collection method: clinical testing. Allele origin: germline.
Comment: This sequence change replaces glutamic acid, which is acidic and polar, with aspartic acid, which is acidic and polar, at codon 308 of the DDX41 protein (p.Glu308Asp). This variant is present in population databases (rs777158421, gnomAD 0.0009%). This variant has not been reported in the literature in individuals affected with DDX41-related conditions. An algorithm developed to predict the effect of missense changes on protein structure and function (PolyPhen-2) suggests that this variant is likely to be tolerated. In summary, the available evidence is currently insufficient to determine the role of this variant in disease. Therefore, it has been classified as a Variant of Uncertain Significance.